The following is an entry in ClinVar:

NM_152722.5(HEPACAM):c.878-8dup

Gene: HEPACAM (hepatic and glial cell adhesion molecule; minus strand). Cytogenetic location: 11q24.2.
Variant type: Duplication.
Coding change: c.878-8dup on transcript NM_152722.5 (MANE Select); 8 bases into the intron before coding-DNA position 878, one base duplicated (C; older notation c.878-8dupC).
Molecular consequence: intron variant.
Genome position (GRCh38, 1-based): chr11:124,922,466, G duplicated on the plus strand (C on the coding strand, the reverse complement: HEPACAM is on the minus strand); the first of 4 consecutive G bases (chr11:124,922,466-124,922,469); duplicating any one gives the same sequence. VCF-style (leftmost placement, unchanged base first): chr11-124922465-A-AG. GRCh37 (hg19) VCF-style: chr11-124792361-A-AG.
Other names: c.878-11dup (NM_001441320.1); c.1034-8dup (NM_001411043.1).
Identifiers: ClinVar variation 4281481 (VCV004281481.7).

ClinVar aggregate classification (germline): Uncertain significance (1 of 4 stars; one submission).

Submission:

CeGaT Center for Human Genetics Tuebingen
Classification: Uncertain significance. Last evaluated: 2025-09-01. Review status: criteria provided, single submitter. Criteria: CeGaT Center For Human Genetics Tuebingen Variant Classification Criteria Version 2. Collection method: clinical testing. Allele origin: germline. Affected: yes. Observed: 1 variant allele.
Comment: HEPACAM: PM2, BP4